The following is an entry in ClinVar:

NM_020533.3(MCOLN1):c.1272C>T (p.Ser424=)

Gene: MCOLN1 (mucolipin TRP cation channel 1; plus strand). Cytogenetic location: 19p13.2.
Variant type: single nucleotide variant.
Coding change: c.1272C>T on transcript NM_020533.3 (MANE Select); coding-DNA position 1272, C replaced by T.
Protein change: p.Ser424=; no amino-acid change (serine 424 retained).
Molecular consequence: synonymous variant.
Genome position (GRCh38, 1-based): chr19:7,529,625, C>T. VCF-style: chr19-7529625-C-T. GRCh37 (hg19) VCF-style: chr19-7594511-C-T.
Identifiers: ClinVar variation 558941 (VCV000558941.49), dbSNP rs147754092, ClinGen allele CA9139109.
Genomic context (GRCh38, chr19:7,529,625, plus strand): 5'-CGAGGCTCCCTCTGCCCCAACCCAGATCCTCATCGCCACACTGCGGGTGGCCCTGCCCAG[C>T]GTCATGCGCTTCTGCTGCTGCGTGGCTGTCATCTACCTGGGCTACTGCTTCTGTGGCTGG-3'
Protein context (NP_065394.1, residues 414-434): LIATLRVALP[Ser424=]VMRFCCCVAV

ClinVar aggregate classification (germline): Conflicting classifications of pathogenicity. Review status: criteria provided, conflicting classifications (1 of 4 stars). 8 submissions from 8 submitters: Uncertain significance (1); Benign (1); Likely benign (4). 2 of the submissions do not count toward it. Last evaluated 2026-02-04.

Conditions:
Mucolipidosis type IV (ML4). Also called: ML IV. Identifiers: Orphanet 578, MedGen C0238286, MONDO:0009653, OMIM 252650.
Inborn genetic diseases. Identifiers: MedGen C0950123, MeSH D030342.

Allele frequency attached by ClinVar (database versions not stated): 1000 Genomes Project 0.00120; 1000 Genomes Project 30x 0.00125; gnomAD 0.00220 and 0.00231; TOPMed 0.00224; ESP Exome Variant Server 0.00231; ExAC 0.00247; gnomAD exomes 0.00250 and 0.00333.
gnomAD v4.1: 5,152 of 1,614,098 alleles (0.32%); highest among the groups gnomAD compares: Non-Finnish European, 0.39%; 10 homozygotes.

Submissions (8):

Labcorp Genetics (formerly Invitae), Labcorp
Classification: Benign for Mucolipidosis type IV. Last evaluated: 2026-02-04. Review status: criteria provided, single submitter. Criteria: Invitae Variant Classification Sherloc (09022015). Collection method: clinical testing. Allele origin: germline.

CeGaT Center for Human Genetics Tuebingen
Classification: Likely benign. Last evaluated: 2025-03-01. Review status: criteria provided, single submitter. Criteria: CeGaT Center For Human Genetics Tuebingen Variant Classification Criteria Version 2. Collection method: clinical testing. Allele origin: germline. Affected: yes. Observed: 9 variant alleles.
Comment: MCOLN1: BP4, BP7

Blueprint Genetics
Classification: Likely benign. Last evaluated: 2024-11-11. Review status: criteria provided, single submitter. Criteria: ACMG Guidelines, 2015. Collection method: clinical testing. Allele origin: germline.

Ambry Genetics
Classification: Likely benign for Inborn genetic diseases. Last evaluated: 2022-04-04. Review status: criteria provided, single submitter. Criteria: Ambry Variant Classification Scheme 2023. Collection method: clinical testing. Allele origin: germline.

GeneDx
Classification: Likely benign. Last evaluated: 2021-06-10. Review status: criteria provided, single submitter. Criteria: GeneDx Variant Classification Process June 2021. Collection method: clinical testing. Allele origin: germline. Affected: yes.
Comment: This variant is associated with the following publications: (PMID: 17239335)

Illumina Laboratory Services, Illumina
Classification: Uncertain significance for Mucolipidosis type IV. Last evaluated: 2017-04-27. Review status: criteria provided, single submitter. Criteria: ICSL Variant Classification Criteria 13 December 2019. Collection method: clinical testing. Allele origin: germline.
Comment: This variant was observed as part of a predisposition screen in an ostensibly healthy population. A literature search was performed for the gene, cDNA change, and amino acid change (where applicable). Publications were found based on this search. However, the evidence from the literature, in combination with allele frequency data from public databases where available, was not sufficient to rule this variant in or out of causing disease. Therefore, this variant is classified as a variant of unknown significance.

Natera, Inc.
Classification: Benign for Mucolipidosis type IV. Last evaluated: 2020-06-01. Review status: no assertion criteria provided. Collection method: clinical testing. Allele origin: germline. Not counted in ClinVar's aggregate classification.

Mayo Clinic Laboratories, Mayo Clinic
Classification: Likely benign. Last evaluated: 2017-05-31. Review status: no assertion criteria provided. Collection method: clinical testing. Allele origin: unknown. Not counted in ClinVar's aggregate classification.

Literature cited by the submitters: PubMed 17239335 (cited by Illumina Laboratory Services, Illumina).